The following is an entry in ClinVar:

NM_000540.3(RYR1):c.14901C>A (p.Asp4967Glu)

Gene: RYR1 (ryanodine receptor 1; plus strand). Cytogenetic location: 19q13.2.
Variant type: single nucleotide variant.
Coding change: c.14901C>A on transcript NM_000540.3 (MANE Select); coding-DNA position 14901, C replaced by A.
Protein change: p.Asp4967Glu; replaces aspartic acid 4967 with glutamic acid.
Molecular consequence: missense variant.
Genome position (GRCh38, 1-based): chr19:38,586,123, C>A. VCF-style: chr19-38586123-C-A. GRCh37 (hg19) VCF-style: chr19-39076763-C-A.
Other names: c.14886C>A, p.Asp4962Glu (NM_001042723.2); short protein forms D4962E, D4967E.
Identifiers: ClinVar variation 4886088 (VCV004886088.2).

ClinVar aggregate classification (germline): Uncertain significance (1 of 4 stars; one submission).

gnomAD v4.1: 1 of 1,614,144 alleles (0.000062%); highest among the groups gnomAD compares: Non-Finnish European, 0.000085%; no homozygotes.

Submission:

Dasa
Classification: Uncertain significance. Last evaluated: 2025-05-30. Review status: criteria provided, single submitter. Criteria: DASA Assertion Criteria. Collection method: clinical testing. Allele origin: germline.
Comment: NM_000540.3(RYR1):c.14901C>A (p.Asp4967Glu) is a missense variant that results in the substitution of aspartic acid with glutamic acid. This variant is rare in population databases. Computational prediction algorithms are consistent with a benign effect. The currently available literature and clinical evidence are not sufficient to establish a definitive association between this variant and the reported condition. Therefore, this variant is classified as a variant of uncertain significance.